The following is an entry in ClinVar:

NM_030962.4(SBF2):c.3278C>G (p.Pro1093Arg)

Genes: SBF2 (SET binding factor 2; minus strand), LOC101928008 (uncharacterized LOC101928008; plus strand). Cytogenetic location: 11p15.4.
Variant type: single nucleotide variant.
Coding change: c.3278C>G on transcript NM_030962.4 (MANE Select); coding-DNA position 3278, C replaced by G.
Protein change: p.Pro1093Arg; replaces proline 1093 with arginine.
Molecular consequence: missense variant.
Genome position (GRCh38, 1-based): chr11:9,839,675, G>C on the plus strand (C>G on the coding strand, the complement: SBF2 is on the minus strand). VCF-style: chr11-9839675-G-C. GRCh37 (hg19) VCF-style: chr11-9861222-G-C.
Other names: c.3278C>G (NM_030962.3); c.3278C>G, p.Pro1093Arg (NM_001386339.1); c.3149C>G, p.Pro1050Arg (NM_001386342.1); short protein forms P1093R, P1050R.
Identifiers: ClinVar variation 999948 (VCV000999948.10), dbSNP rs762973514, ClinGen allele CA379629091.

ClinVar aggregate classification (germline): Uncertain significance. Review status: criteria provided, multiple submitters, no conflicts (2 of 4 stars). 2 submissions from 2 submitters: Uncertain significance (2). Last evaluated 2025-09-26.

Conditions:
Inborn genetic diseases. Identifiers: MedGen C0950123, MeSH D030342.
Charcot-Marie-Tooth disease type 4. Also called: Charcot-Marie-Tooth disease, type IV; Charcot-Marie-Tooth, Type 4. Identifiers: Orphanet 64749, MedGen C4082197, MONDO:0018995.

Allele frequency attached by ClinVar (database versions not stated): TOPMed 0.00001.
gnomAD v4.1: 2 of 1,613,226 alleles (0.00012%); highest among the groups gnomAD compares: African/African-American, 0.0013%; no homozygotes.

Submissions (2):

Ambry Genetics
Classification: Uncertain significance for Inborn genetic diseases. Last evaluated: 2025-09-26. Review status: criteria provided, single submitter. Criteria: Ambry Variant Classification Scheme 2023. Collection method: clinical testing. Allele origin: germline.

Labcorp Genetics (formerly Invitae), Labcorp
Classification: Uncertain significance for Charcot-Marie-Tooth disease type 4. Last evaluated: 2020-09-20. Review status: criteria provided, single submitter. Criteria: Invitae Variant Classification Sherloc (09022015). Collection method: clinical testing. Allele origin: germline.
Comment: In summary, the available evidence is currently insufficient to determine the role of this variant in disease. Therefore, it has been classified as a Variant of Uncertain Significance. Algorithms developed to predict the effect of missense changes on protein structure and function (SIFT, PolyPhen-2, Align-GVGD) all suggest that this variant is likely to be tolerated, but these predictions have not been confirmed by published functional studies and their clinical significance is uncertain. This variant has not been reported in the literature in individuals with SBF2-related conditions. This variant is not present in population databases (ExAC no frequency). This sequence change replaces proline with arginine at codon 1093 of the SBF2 protein (p.Pro1093Arg). The proline residue is moderately conserved and there is a moderate physicochemical difference between proline and arginine.